The following is an entry in ClinVar:

ClinVar aggregate classification (germline): Uncertain significance. Review status: criteria provided, multiple submitters, no conflicts (2 of 4 stars). 2 submissions from 2 submitters: Uncertain significance (2). Last evaluated 2025-09-27.

Conditions:
Familial sleep-related hypermotor epilepsy. Also called: Autosomal Dominant Sleep-Related Hypermotor (Hyperkinetic) Epilepsy. Identifiers: Orphanet 98784, MedGen C3696898, MONDO:0000030.

Allele frequency attached by ClinVar (database versions not stated): ExAC 0.00001; gnomAD exomes 0.00001 and below 0.00001; gnomAD 0.00003; TOPMed 0.00004.
gnomAD v4.1: 18 of 1,614,054 alleles (0.0011%); highest among the groups gnomAD compares: African/African-American, 0.0053%; no homozygotes.

Submissions (2):

Labcorp Genetics (formerly Invitae), Labcorp
Classification: Uncertain significance. Last evaluated: 2025-09-27. Review status: criteria provided, single submitter. Criteria: Invitae Variant Classification Sherloc (09022015). Collection method: clinical testing. Allele origin: germline.
Comment: This sequence change replaces alanine, which is neutral and non-polar, with threonine, which is neutral and polar, at codon 154 of the CHRNB2 protein (p.Ala154Thr). This variant is present in population databases (rs769929506, gnomAD 0.007%). This variant has not been reported in the literature in individuals affected with CHRNB2-related conditions. ClinVar contains an entry for this variant (Variation ID: 954801). Invitae Evidence Modeling of protein sequence and biophysical properties (such as structural, functional, and spatial information, amino acid conservation, physicochemical variation, residue mobility, and thermodynamic stability) indicates that this missense variant is not expected to disrupt CHRNB2 protein function with a negative predictive value of 80%. In summary, the available evidence is currently insufficient to determine the role of this variant in disease. Therefore, it has been classified as a Variant of Uncertain Significance.

GeneDx
Classification: Uncertain significance. Last evaluated: 2022-10-18. Review status: criteria provided, single submitter. Criteria: GeneDx Variant Classification Process June 2021. Collection method: clinical testing. Allele origin: germline. Affected: yes.
Comment: In silico analysis supports that this missense variant does not alter protein structure/function; Has not been previously published as pathogenic or benign to our knowledge

NM_000748.3(CHRNB2):c.460G>A (p.Ala154Thr)

Gene: CHRNB2 (cholinergic receptor nicotinic beta 2 subunit; plus strand). Cytogenetic location: 1q21.3.
Variant type: single nucleotide variant.
Coding change: c.460G>A on transcript NM_000748.3 (MANE Select); coding-DNA position 460, G replaced by A.
Protein change: p.Ala154Thr; replaces alanine 154 with threonine.
Molecular consequence: missense variant.
Genome position (GRCh38, 1-based): chr1:154,571,283, G>A. VCF-style: chr1-154571283-G-A. GRCh37 (hg19) VCF-style: chr1-154543759-G-A.
Other names: short protein forms A154T.
Identifiers: ClinVar variation 954801 (VCV000954801.9), dbSNP rs769929506, ClinGen allele CA1130736.